The following is an entry in ClinVar:

ClinVar aggregate classification (germline): Uncertain significance (1 of 4 stars; one submission).

Submission:

Labcorp Genetics (formerly Invitae), Labcorp
Classification: Uncertain significance. Last evaluated: 2024-10-25. Review status: criteria provided, single submitter. Criteria: Invitae Variant Classification Sherloc (09022015). Collection method: clinical testing. Allele origin: germline.
Comment: This sequence change replaces proline, which is neutral and non-polar, with alanine, which is neutral and non-polar, at codon 2087 of the GPR179 protein (p.Pro2087Ala). This variant is not present in population databases (gnomAD no frequency). This variant has not been reported in the literature in individuals affected with GPR179-related conditions. ClinVar contains an entry for this variant (Variation ID: 1998133). An algorithm developed to predict the effect of missense changes on protein structure and function (PolyPhen-2) suggests that this variant is likely to be tolerated. In summary, the available evidence is currently insufficient to determine the role of this variant in disease. Therefore, it has been classified as a Variant of Uncertain Significance.

NM_001004334.4(GPR179):c.6259C>G (p.Pro2087Ala)

Gene: GPR179 (G protein-coupled receptor 179; minus strand). Cytogenetic location: 17q12.
Variant type: single nucleotide variant.
Coding change: c.6259C>G on transcript NM_001004334.4 (MANE Select); coding-DNA position 6259, C replaced by G.
Protein change: p.Pro2087Ala; replaces proline 2087 with alanine.
Molecular consequence: missense variant.
Genome position (GRCh38, 1-based): chr17:38,327,310, G>C on the plus strand (C>G on the coding strand, the complement: GPR179 is on the minus strand). VCF-style: chr17-38327310-G-C. GRCh37 (hg19) VCF-style: chr17-36483193-G-C.
Other names: short protein forms P2087A.
Identifiers: ClinVar variation 1998133 (VCV001998133.4), dbSNP rs2512156167, ClinGen allele CA398869824.